The following is an entry in ClinVar:

NM_030625.3(TET1):c.2406C>T (p.Asn802=)

Gene: TET1 (tet methylcytosine dioxygenase 1; plus strand). Cytogenetic location: 10q21.3.
Variant type: single nucleotide variant.
Coding change: c.2406C>T on transcript NM_030625.3 (MANE Select); coding-DNA position 2406, C replaced by T.
Protein change: p.Asn802=; no amino-acid change (asparagine 802 retained).
Molecular consequence: synonymous variant.
Genome position (GRCh38, 1-based): chr10:68,645,135, C>T. VCF-style: chr10-68645135-C-T. GRCh37 (hg19) VCF-style: chr10-70404892-C-T.
Identifiers: ClinVar variation 760982 (VCV000760982.5), dbSNP rs376888861, ClinGen allele CA5526269.

ClinVar aggregate classification (germline): Benign. Review status: criteria provided, single submitter (1 of 4 stars). 2 submissions from 2 submitters: Benign (1). 1 of the submissions does not count toward it. Last evaluated 2018-07-31.

Conditions:
TET1-related disorder. Also called: TET1-related condition.

Allele frequency attached by ClinVar (database versions not stated): ESP Exome Variant Server 0.00015; ExAC 0.00022; gnomAD 0.00025; TOPMed 0.00027; gnomAD exomes 0.00028.
gnomAD v4.1: 345 of 1,613,810 alleles (0.021%); highest among the groups gnomAD compares: Middle Eastern, 0.033%; 2 homozygotes.

Submissions (2):

Labcorp Genetics (formerly Invitae), Labcorp
Classification: Benign. Last evaluated: 2018-07-31. Review status: criteria provided, single submitter. Criteria: Invitae Variant Classification Sherloc (09022015). Collection method: clinical testing. Allele origin: germline.

PreventionGenetics, part of Exact Sciences
Classification: Likely benign for TET1-related condition. Last evaluated: 2020-02-04. Review status: no assertion criteria provided. Collection method: clinical testing. Allele origin: germline. Not counted in ClinVar's aggregate classification.
Comment: This variant is classified as likely benign based on ACMG/AMP sequence variant interpretation guidelines (Richards et al. 2015 PMID: 25741868, with internal and published modifications).